The following is an entry in ClinVar:

NM_139076.3(ABRAXAS1):c.316T>G (p.Ser106Ala)

Gene: ABRAXAS1 (abraxas 1, BRCA1 A complex subunit; minus strand). Cytogenetic location: 4q21.23.
Variant type: single nucleotide variant.
Coding change: c.316T>G on transcript NM_139076.3 (MANE Select); coding-DNA position 316, T replaced by G.
Protein change: p.Ser106Ala; replaces serine 106 with alanine.
Molecular consequence: missense variant. On other transcripts: 5 prime UTR variant (1).
Genome position (GRCh38, 1-based): chr4:83,470,363, A>C on the plus strand (T>G on the coding strand, the complement: ABRAXAS1 is on the minus strand). VCF-style: chr4-83470363-A-C. GRCh37 (hg19) VCF-style: chr4-84391516-A-C.
Other names: c.-12T>G (NM_001345962.2); short protein forms S106A.
Identifiers: ClinVar variation 3445054 (VCV003445054.1).

ClinVar aggregate classification (germline): Uncertain significance (1 of 4 stars; one submission).

Submission:

Ambry Genetics
Classification: Uncertain significance. Last evaluated: 2024-10-25. Review status: criteria provided, single submitter. Criteria: Ambry Variant Classification Scheme 2023. Collection method: clinical testing. Allele origin: germline.
Comment: The p.S106A variant (also known as c.316T>G), located in coding exon 5 of the FAM175A gene, results from a T to G substitution at nucleotide position 316. The serine at codon 106 is replaced by alanine, an amino acid with similar properties. This amino acid position is conserved. In addition, this alteration is predicted to be tolerated by in silico analysis. Based on the available evidence, the clinical significance of this variant remains unclear.